The following is an entry in ClinVar:

ClinVar aggregate classification (germline): Pathogenic (1 of 4 stars; one submission).

Submission:

Quest Diagnostics Nichols Institute San Juan Capistrano
Classification: Pathogenic. Last evaluated: 2024-09-16. Review status: criteria provided, single submitter. Criteria: ACMG/ClinGen CNV Guidelines, 2019. Collection method: clinical testing. Allele origin: unknown.
Comment: The copy number loss of Xp21.3 involves the first coding exon (NM_014271.4), of IL1RAPL1 (OMIM 300206). Deletions of IL1RAPL1 have been associated with X-linked intellectual developmental disorder-21 (OMIM 300143; CCID 007323). There is a report of an individual with a similar deletion of IL1RAPL1 (Behnecke 2011). Some carrier females are asymptomatic, while others present with more mild phenotypes (Behnecke 2010, Franek 2011, Grozeva 2015, Mikhail 2011, Piton 2008, Redin 2014). There are no similar copy number losses of this region in the general populations of the Database of Genomic Variants. Thus, based on current medical literature, this copy number variant (CNV) is classified as pathogenic. References: Behnecke et al., Am J Med Genet A. 2011 Feb;155A(2):372-9. PMID: 21271657 Franek et al., Am J Med Genet A. 2011 May;155A(5):1109-14. PMID: 21484992 Grozeva et al., Hum Mutat. 2015 Dec;36(12):1197-204. PMID: 26350204 Mikhail et al., Am J Med Genet A. 2011 Oct;155A(10):2386-96. PMID: 22031302 Piton et al., Hum Mol Genet. 2008 Dec 15;17(24):3965-74. PMID: 18801879 Redin et al., J Med Genet. 2014 Nov;51(11):724-36. PMID: 25167861

GRCh37/hg19 Xp21.3(chrX:28780078-28893971)x0

Gene: IL1RAPL1 (interleukin 1 receptor accessory protein like 1; plus strand). Cytogenetic location: Xp21.3.
Variant type: copy number loss.
Change: copy number 0 of chrX:28,780,078-28,893,971 (113.9 kb, GRCh37 coordinates, 1-based), cytogenetic band Xp21.3.
Identifiers: ClinVar variation 4683019 (VCV004683019.1).